The following is an entry in ClinVar:

NM_015378.4(VPS13D):c.12445G>A (p.Gly4149Ser)

Gene: VPS13D (vacuolar protein sorting 13 homolog D; plus strand). Cytogenetic location: 1p36.22.
Variant type: single nucleotide variant.
Coding change: c.12445G>A on transcript NM_015378.4 (MANE Select); coding-DNA position 12445, G replaced by A.
Protein change: p.Gly4149Ser; replaces glycine 4149 with serine.
Molecular consequence: missense variant.
Genome position (GRCh38, 1-based): chr1:12,456,109, G>A. VCF-style: chr1-12456109-G-A. GRCh37 (hg19) VCF-style: chr1-12516165-G-A.
Other names: c.12370G>A, p.Gly4124Ser (NM_018156.4); short protein forms G4149S, G4124S.
Identifiers: ClinVar variation 3686129 (VCV003686129.3).

ClinVar aggregate classification (germline): Conflicting classifications of pathogenicity. Review status: criteria provided, conflicting classifications (1 of 4 stars). 2 submissions from 2 submitters: Likely pathogenic (1); Uncertain significance (1). Last evaluated 2025-01-20.

Conditions:
Autosomal recessive cerebellar ataxia-saccadic intrusion syndrome. Also called: VPS13D Movement Disorder; SPINOCEREBELLAR ATAXIA 24. Identifiers: Orphanet 95434, MedGen C1846492, MONDO:0011811, OMIM 607317.

gnomAD v4.1: 4 of 1,612,756 alleles (0.00025%); highest among the groups gnomAD compares: South Asian, 0.0011%; no homozygotes.

Submissions (2):

Labcorp Genetics (formerly Invitae), Labcorp
Classification: Uncertain significance. Last evaluated: 2025-01-20. Review status: criteria provided, single submitter. Criteria: Invitae Variant Classification Sherloc (09022015). Collection method: clinical testing. Allele origin: germline.
Comment: This sequence change replaces glycine, which is neutral and non-polar, with serine, which is neutral and polar, at codon 4149 of the VPS13D protein (p.Gly4149Ser). This variant is not present in population databases (gnomAD no frequency). This missense change has been observed in individual(s) with spastic paraplegia (PMID: 29604224). Invitae Evidence Modeling of protein sequence and biophysical properties (such as structural, functional, and spatial information, amino acid conservation, physicochemical variation, residue mobility, and thermodynamic stability) indicates that this missense variant is expected to disrupt VPS13D protein function with a positive predictive value of 80%. In summary, the available evidence is currently insufficient to determine the role of this variant in disease. Therefore, it has been classified as a Variant of Uncertain Significance.

Laboratorio de Genética, Hospital Universitario Reina Sofía
Classification: Likely pathogenic for Autosomal recessive cerebellar ataxia-saccadic intrusion syndrome. Review status: criteria provided, single submitter. Criteria: ACMG Guidelines, 2015. Collection method: clinical testing. Allele origin: germline. Inheritance: Autosomal recessive inheritance. Affected: yes. Clinical features observed: Spasticity (HP:0001257), Ataxia (HP:0001251), Pes cavus (HP:0001761), Dysarthria (HP:0001260), Gaze-evoked nystagmus (HP:0000640).
Comment: This variant is classifed as Likely Pathogenic as it meets ACMG's following criteria: - PP1 (Cosegregation with disease in multiple affected family members in a gene definitively known to cause the disease). - PM3 (For recessive disorders, detected in trans with a pathogenic variant, or in a homozygous or compound heterozygous state in affected cases). - PM2 (Extremely low frequency in gnomAD population databases). - PP3 (For a missense or a splicing region variant, computational prediction tools unanimously support a deleterious effect on the gene).

Literature cited by the submitters: PubMed 29604224 (cited by Labcorp Genetics (formerly Invitae), Labcorp).